The following is an entry in ClinVar:

NM_001318852.2(MAPK8IP3):c.2129G>A (p.Cys710Tyr)

Gene: MAPK8IP3 (mitogen-activated protein kinase 8 interacting protein 3; plus strand). Cytogenetic location: 16p13.3.
Variant type: single nucleotide variant.
Coding change: c.2129G>A on transcript NM_001318852.2 (MANE Select); coding-DNA position 2129, G replaced by A.
Protein change: p.Cys710Tyr; replaces cysteine 710 with tyrosine.
Molecular consequence: missense variant.
Genome position (GRCh38, 1-based): chr16:1,764,308, G>A. VCF-style: chr16-1764308-G-A. GRCh37 (hg19) VCF-style: chr16-1814309-G-A.
Other names: c.2126G>A, p.Cys709Tyr (NM_015133.5); c.2108G>A, p.Cys703Tyr (NM_001040439.2); short protein forms C703Y, C709Y, C710Y.
Identifiers: ClinVar variation 3372554 (VCV003372554.1).

ClinVar aggregate classification (germline): Uncertain significance (1 of 4 stars; one submission).

gnomAD v4.1: 1 of 1,577,702 alleles (0.000063%); highest among the groups gnomAD compares: Non-Finnish European, 0.000086%; no homozygotes.

Submission:

GeneDx
Classification: Uncertain significance. Last evaluated: 2024-04-13. Review status: criteria provided, single submitter. Criteria: GeneDx Variant Classification Process June 2021. Collection method: clinical testing. Allele origin: germline. Affected: yes.
Comment: Not observed at significant frequency in large population cohorts (gnomAD); In silico analysis supports that this missense variant has a deleterious effect on protein structure/function; Has not been previously published as pathogenic or benign to our knowledge